The following is an entry in ClinVar:

NM_003126.4(SPTA1):c.2980C>T (p.Arg994Ter)

Gene: SPTA1 (spectrin alpha, erythrocytic 1; minus strand). Cytogenetic location: 1q23.1.
Variant type: single nucleotide variant.
Coding change: c.2980C>T on transcript NM_003126.4 (MANE Select); coding-DNA position 2980, C replaced by T.
Protein change: p.Arg994Ter; replaces arginine 994 with a stop codon.
Molecular consequence: nonsense.
Genome position (GRCh38, 1-based): chr1:158,654,667, G>A on the plus strand (C>T on the coding strand, the complement: SPTA1 is on the minus strand). VCF-style: chr1-158654667-G-A. GRCh37 (hg19) VCF-style: chr1-158624457-G-A.
Other names: short protein forms R994*.
Identifiers: ClinVar variation 1970469 (VCV001970469.24), dbSNP rs1265895182, ClinGen allele CA343038924.

ClinVar aggregate classification (germline): Pathogenic/Likely pathogenic. Review status: criteria provided, multiple submitters, no conflicts (2 of 4 stars). 4 submissions from 4 submitters: Pathogenic (2); Likely pathogenic (2). Last evaluated 2025-03-04.

gnomAD v4.1: 9 of 1,613,882 alleles (0.00056%); highest among the groups gnomAD compares: South Asian, 0.0011%; no homozygotes.

Submissions (4):

Center for Genomic Medicine, Rigshospitalet, Copenhagen University Hospital
Classification: Likely pathogenic. Last evaluated: 2025-03-04. Review status: criteria provided, single submitter. Criteria: ACMG Guidelines, 2015. Collection method: clinical testing. Allele origin: germline.
Comment: Classification criteria: PVS1, PM2_supporting

CeGaT Center for Human Genetics Tuebingen
Classification: Pathogenic. Last evaluated: 2024-08-01. Review status: criteria provided, single submitter. Criteria: CeGaT Center For Human Genetics Tuebingen Variant Classification Criteria Version 2. Collection method: clinical testing. Allele origin: germline. Affected: yes. Observed: 1 variant allele.
Comment: SPTA1: PVS1, PM2, PM3

Labcorp Genetics (formerly Invitae), Labcorp
Classification: Pathogenic. Last evaluated: 2024-05-16. Review status: criteria provided, single submitter. Criteria: Invitae Variant Classification Sherloc (09022015). Collection method: clinical testing. Allele origin: germline.
Comment: This sequence change creates a premature translational stop signal (p.Arg994*) in the SPTA1 gene. It is expected to result in an absent or disrupted protein product. Loss-of-function variants in SPTA1 are known to be pathogenic (PMID: 9192783, 18815189, 31333484, 31723846, 32266426). This variant is present in population databases (no rsID available, gnomAD 0.0009%). This variant has not been reported in the literature in individuals affected with SPTA1-related conditions. ClinVar contains an entry for this variant (Variation ID: 1970469). For these reasons, this variant has been classified as Pathogenic.

Revvity Omics, Revvity
Classification: Likely pathogenic. Last evaluated: 2023-06-05. Review status: criteria provided, single submitter. Criteria: ACMG Guidelines, 2015. Collection method: clinical testing. Allele origin: germline.

Literature cited by the submitters: PubMed 9192783 (cited by Labcorp Genetics (formerly Invitae), Labcorp); PubMed 18815189 (cited by Labcorp Genetics (formerly Invitae), Labcorp); PubMed 31333484 (cited by Labcorp Genetics (formerly Invitae), Labcorp); PubMed 31723846 (cited by Labcorp Genetics (formerly Invitae), Labcorp); PubMed 32266426 (cited by Labcorp Genetics (formerly Invitae), Labcorp).